The following is an entry in ClinVar:

NM_058216.3(RAD51C):c.523G>T (p.Ala175Ser)

Gene: RAD51C (RAD51 paralog C; plus strand). Cytogenetic location: 17q22.
Variant type: single nucleotide variant.
Coding change: c.523G>T on transcript NM_058216.3 (MANE Select); coding-DNA position 523, G replaced by T.
Protein change: p.Ala175Ser; replaces alanine 175 with serine.
Molecular consequence: missense variant.
Genome position (GRCh38, 1-based): chr17:58,696,811, G>T. VCF-style: chr17-58696811-G-T. GRCh37 (hg19) VCF-style: chr17-56774172-G-T.
Other names: short protein forms A175S.
Identifiers: ClinVar variation 487201 (VCV000487201.14), dbSNP rs587780838, ClinGen allele CA400345139.

ClinVar aggregate classification (germline): Conflicting classifications of pathogenicity. Review status: criteria provided, conflicting classifications (1 of 4 stars). 2 submissions from 2 submitters: Uncertain significance (1); Benign (1). Last evaluated 2025-10-28.

Conditions:
Fanconi anemia complementation group O. Also called: RAD51C-Related Fanconi Anemia. Identifiers: Orphanet 84, MedGen C3150653, MONDO:0013248, OMIM 613390.
Hereditary cancer-predisposing syndrome. Also called: Tumor predisposition; Neoplastic Syndromes, Hereditary; Hereditary Cancer Syndrome; Hereditary neoplastic syndrome. Identifiers: Orphanet 140162, MedGen C0027672, MeSH D009386, MONDO:0015356.

Submissions (2):

Ambry Genetics
Classification: Benign for Hereditary cancer-predisposing syndrome. Last evaluated: 2025-10-28. Review status: criteria provided, single submitter. Criteria: Ambry Variant Classification Scheme 2023. Collection method: clinical testing. Allele origin: germline.

Labcorp Genetics (formerly Invitae), Labcorp
Classification: Uncertain significance for Fanconi anemia complementation group O. Last evaluated: 2017-04-24. Review status: criteria provided, single submitter. Criteria: Invitae Variant Classification Sherloc (09022015). Collection method: clinical testing. Allele origin: germline.
Comment: This sequence change replaces alanine with serine at codon 175 of the RAD51C protein (p.Ala175Ser). The alanine residue is highly conserved and there is a moderate physicochemical difference between alanine and serine. This variant is not present in population databases (ExAC no frequency) and has not been reported in the literature in individuals with a RAD51C-related disease. In summary, this variant is a novel missense change with uncertain impact on protein function. It has been classified as a Variant of Uncertain Significance. Algorithms developed to predict the effect of missense changes on protein structure and function do not agree on the potential impact of this missense change (SIFT: "Tolerated"; PolyPhen-2: "Possibly Damaging"; Align-GVGD: "Class C0").